The following is an entry in ClinVar:

ClinVar aggregate classification (germline): Likely benign. Review status: criteria provided, multiple submitters, no conflicts (2 of 4 stars). 2 submissions from 2 submitters: Likely benign (2). Last evaluated 2024-10-16.

Conditions:
Hypertrophic cardiomyopathy. Also called: HYPERTROPHIC MYOCARDIOPATHY. Identifiers: Orphanet 217569, MedGen C0007194, MeSH D002312, MONDO:0005045, HP:0001639.

Allele frequency attached by ClinVar (database versions not stated): gnomAD exomes below 0.00001; TOPMed below 0.00001; ExAC 0.00001.
gnomAD v4.1: 20 of 1,614,072 alleles (0.0012%); highest among the groups gnomAD compares: Admixed American, 0.0017%; no homozygotes.

Submissions (2):

Labcorp Genetics (formerly Invitae), Labcorp
Classification: Likely benign for Hypertrophic cardiomyopathy. Last evaluated: 2024-10-16. Review status: criteria provided, single submitter. Criteria: Invitae Variant Classification Sherloc (09022015). Collection method: clinical testing. Allele origin: germline.

GeneDx
Classification: Likely benign. Last evaluated: 2018-02-12. Review status: criteria provided, single submitter. Criteria: GeneDx Variant Classification (06012015). Collection method: clinical testing. Allele origin: germline. Affected: yes.
Comment: This variant is considered likely benign or benign based on one or more of the following criteria: it is a conservative change, it occurs at a poorly conserved position in the protein, it is predicted to be benign by multiple in silico algorithms, and/or has population frequency not consistent with disease.

NM_000257.4(MYH7):c.1578+20A>T

Gene: MYH7 (myosin heavy chain 7; minus strand). Cytogenetic location: 14q11.2.
Variant type: single nucleotide variant.
Coding change: c.1578+20A>T on transcript NM_000257.4 (MANE Select); 20 bases into the intron after coding-DNA position 1578, A replaced by T.
Molecular consequence: intron variant.
Genome position (GRCh38, 1-based): chr14:23,428,480, T>A on the plus strand (A>T on the coding strand, the complement: MYH7 is on the minus strand). VCF-style: chr14-23428480-T-A. GRCh37 (hg19) VCF-style: chr14-23897689-T-A.
Other names: c.1578+20A>T (LRG_384t1).
Identifiers: ClinVar variation 515418 (VCV000515418.8), dbSNP rs1555338228, ClinGen allele CA7116305.
Genomic context (GRCh38, chr14:23,428,480, plus strand): 5'-GGGAGAGGGGCTGCTATTTTGTCTATGGTGTTCTTGTTGGGTGTGCAGGGAGAATTCAGG[T>A]GGTAAGGCCAAAGAGGCACCTTCTCGATGAGGTCAATGCAGGCCTGCAGGTCCATGCCAA-3'